The following is an entry in ClinVar:

NM_001267550.2(TTN):c.63712C>T (p.Arg21238Cys)

Genes: TTN (titin; minus strand), TTN-AS1 (TTN antisense RNA 1; plus strand). Cytogenetic location: 2q31.2.
Variant type: single nucleotide variant.
Coding change: c.63712C>T on transcript NM_001267550.2 (MANE Select); coding-DNA position 63712, C replaced by T.
Protein change: p.Arg21238Cys; replaces arginine 21238 with cysteine.
Molecular consequence: missense variant.
Genome position (GRCh38, 1-based): chr2:178,587,597, G>A on the plus strand (C>T on the coding strand, the complement: TTN is on the minus strand). VCF-style: chr2-178587597-G-A. GRCh37 (hg19) VCF-style: chr2-179452324-G-A.
Other names: c.58789C>T, p.Arg19597Cys (NM_001256850.1); c.36517C>T, p.Arg12173Cys (NM_003319.4); c.56008C>T, p.Arg18670Cys (NM_133378.4); c.36892C>T, p.Arg12298Cys (NM_133432.3); c.37093C>T, p.Arg12365Cys (NM_133437.4); short protein forms R12173C, R18670C, R21238C, R12298C, R12365C, R19597C.
Identifiers: ClinVar variation 1733603 (VCV001733603.6), dbSNP rs190432620, ClinGen allele CA1992039.

ClinVar aggregate classification (germline): Conflicting classifications of pathogenicity. Review status: criteria provided, conflicting classifications (1 of 4 stars). 5 submissions from 5 submitters: Uncertain significance (4); Likely benign (1). Last evaluated 2026-03-27.

Conditions:
Cardiovascular phenotype. Identifiers: MedGen CN230736.
TTN-related disorder. Also called: TTN-related disorders; TTN-related condition; TTN-related disease.

Allele frequency attached by ClinVar (database versions not stated): gnomAD exomes 0.00001; TOPMed 0.00001; gnomAD 0.00003; 1000 Genomes Project 30x 0.00031; ExAC 0.00003; 1000 Genomes Project 0.00020.
gnomAD v4.1: 18 of 1,612,434 alleles (0.0011%); highest among the groups gnomAD compares: South Asian, 0.0044%; no homozygotes.

Submissions (5):

Molecular Diagnostic Laboratory for Inherited Cardiovascular Disease, Montreal Heart Institute
Classification: Likely benign. Last evaluated: 2026-03-27. Review status: criteria provided, single submitter. Criteria: ACMG Guidelines, 2015. Collection method: clinical testing. Allele origin: germline. Affected: no.

GeneDx
Classification: Uncertain significance. Last evaluated: 2024-11-18. Review status: criteria provided, single submitter. Criteria: GeneDx Variant Classification Process June 2021. Collection method: clinical testing. Allele origin: germline. Affected: yes.
Comment: Not observed at significant frequency in large population cohorts (gnomAD); Missense variant in a gene in which most reported pathogenic variants are truncating/loss of function; Has not been previously published as pathogenic or benign to our knowledge

Revvity Omics, Revvity
Classification: Uncertain significance. Last evaluated: 2023-10-31. Review status: criteria provided, single submitter. Criteria: ACMG Guidelines, 2015. Collection method: clinical testing. Allele origin: germline.

PreventionGenetics, part of Exact Sciences
Classification: Uncertain significance for TTN-related condition. Last evaluated: 2023-10-02. Review status: criteria provided, single submitter. Criteria: ACMG Guidelines, 2015. Collection method: clinical testing. Allele origin: germline.
Comment: The TTN c.63712C>T variant is predicted to result in the amino acid substitution p.Arg21238Cys. To our knowledge, this variant has not been reported in the literature. This variant is reported in 0.0066% of alleles in individuals of South Asian descent in gnomAD. At this time, the clinical significance of this variant is uncertain due to the absence of conclusive functional and genetic evidence.

Ambry Genetics
Classification: Uncertain significance for Cardiovascular phenotype. Last evaluated: 2019-04-03. Review status: criteria provided, single submitter. Criteria: Ambry Variant Classification Scheme 2023. Collection method: clinical testing. Allele origin: germline.
Comment: The p.R12173C variant (also known as c.36517C>T), located in coding exon 133 of the TTN gene, results from a C to T substitution at nucleotide position 36517. The arginine at codon 12173 is replaced by cysteine, an amino acid with highly dissimilar properties. This amino acid position is highly conserved in available vertebrate species. In addition, this alteration is predicted to be tolerated by in silico analysis. Since supporting evidence is limited at this time, the clinical significance of this alteration remains unclear.